The following is an entry in ClinVar:

ClinVar aggregate classification (germline): Uncertain significance (1 of 4 stars; one submission).

gnomAD v4.1: 3 of 1,612,076 alleles (0.00019%); highest among the groups gnomAD compares: Non-Finnish European, 0.00025%; no homozygotes.

Submission:

Labcorp Genetics (formerly Invitae), Labcorp
Classification: Uncertain significance. Last evaluated: 2025-02-02. Review status: criteria provided, single submitter. Criteria: Invitae Variant Classification Sherloc (09022015). Collection method: clinical testing. Allele origin: germline.
Comment: This sequence change replaces proline, which is neutral and non-polar, with leucine, which is neutral and non-polar, at codon 454 of the GABRA2 protein (p.Pro454Leu). This variant is not present in population databases (gnomAD no frequency). This variant has not been reported in the literature in individuals affected with GABRA2-related conditions. Experimental studies and prediction algorithms are not available or were not evaluated, and the functional significance of this variant is currently unknown. In summary, the available evidence is currently insufficient to determine the role of this variant in disease. Therefore, it has been classified as a Variant of Uncertain Significance.

NM_000807.4(GABRA2):c.1181C>T (p.Pro394Leu)

Gene: GABRA2 (gamma-aminobutyric acid type A receptor subunit alpha2; minus strand). Cytogenetic location: 4p12.
Variant type: single nucleotide variant.
Coding change: c.1181C>T on transcript NM_000807.4 (MANE Select); coding-DNA position 1181, C replaced by T.
Protein change: p.Pro394Leu; replaces proline 394 with leucine.
Molecular consequence: missense variant.
Genome position (GRCh38, 1-based): chr4:46,250,483, G>A on the plus strand (C>T on the coding strand, the complement: GABRA2 is on the minus strand). VCF-style: chr4-46250483-G-A. GRCh37 (hg19) VCF-style: chr4-46252500-G-A.
Other names: c.1016C>T, p.Pro339Leu (NM_001377154.1, NM_001377152.1, NM_001377153.1); c.1181C>T, p.Pro394Leu (NM_001114175.3, NM_001377146.1, NM_001377147.1 and 4 more transcripts); c.1361C>T, p.Pro454Leu (NM_001377145.1, NM_001330690.2, NM_001377144.1); c.1196C>T, p.Pro399Leu (NM_001286827.3); short protein forms P339L, P394L, P399L, P454L.
Identifiers: ClinVar variation 3729909 (VCV003729909.2).